The following is an entry in ClinVar:

NM_000016.6(ACADM):c.423_425del (p.Lys144del)

Gene: ACADM (acyl-CoA dehydrogenase medium chain; plus strand). Cytogenetic location: 1p31.1.
Variant type: Deletion.
Coding change: c.423_425del on transcript NM_000016.6 (MANE Select); coding-DNA positions 423 to 425, 3 bases deleted (AAA; older notation c.423_425delAAA).
Protein change: p.Lys144del; deletes lysine 144.
Molecular consequence: inframe deletion. On other transcripts: intron variant (1).
Genome position (GRCh38, 1-based): chr1:75,734,826-75,734,828, AAA deleted; deleting any 3 consecutive bases within chr1:75,734,825-75,734,828 gives the same sequence; the c. name uses the placement nearest the transcript's 3' end. VCF-style (leftmost placement, unchanged base first): chr1-75734824-CAAA-C. GRCh37 (hg19) VCF-style: chr1-76200509-CAAA-C.
Other names: c.435_437del, p.Lys148del (NM_001127328.3); c.315_317del, p.Lys108del (NM_001286042.2); c.522_524del, p.Lys177del (NM_001286043.2); c.-100+1904_-100+1906del (NM_001286044.2); c.423_425del (NM_000016.4); c.423_425delAAA (NM_000016.5); short protein forms K144del, K148del, K177del, K108del.
Identifiers: ClinVar variation 281055 (VCV000281055.16), dbSNP rs886042087, ClinGen allele CA10603794.

ClinVar aggregate classification (germline): Conflicting classifications of pathogenicity. Review status: criteria provided, conflicting classifications (1 of 4 stars). 4 submissions from 4 submitters: Pathogenic (1); Likely pathogenic (1); Uncertain significance (2). Last evaluated 2025-07-03.

Conditions:
Medium-chain acyl-coenzyme A dehydrogenase deficiency (ACADMD). Also called: MCAD Deficiency; MCADH DEFICIENCY; Medium chain acyl-CoA dehydrogenase deficiency; MCADD; ACADM DEFICIENCY; CARNITINE DEFICIENCY SECONDARY TO MEDIUM-CHAIN ACYL-CoA DEHYDROGENASE DEFICIENCY. Identifiers: Orphanet 42, MedGen C0220710, MONDO:0008721, OMIM 201450.

Submissions (4):

Natera, Inc.
Classification: Likely pathogenic for Medium Chain Acyl-CoA Dehydrogenase Deficiency. Last evaluated: 2025-07-03. Review status: criteria provided, single submitter. Criteria: Natera Variant Classification Schema (03/2026). Collection method: clinical testing. Allele origin: germline.
Comment: The c.423_425delAAA variant in ACADM is an in-frame deletion predicted to remove lysine at amino acid 144 while preserving the reading frame. This variant is rare in the general population with a frequency below the threshold expected for the associated phenotype(s). Another variant at this same site results in an alteration predicted to cause a similar molecular effect has been observed in individual(s) with the associated phenotype. Computational prediction algorithms indicate this variant is likely to affect gene or protein function. Given the available evidence, this variant is classified as Likely Pathogenic.

Labcorp Genetics (formerly Invitae), Labcorp
Classification: Pathogenic for Medium-chain acyl-coenzyme A dehydrogenase deficiency. Last evaluated: 2024-08-29. Review status: criteria provided, single submitter. Criteria: Invitae Variant Classification Sherloc (09022015). Collection method: clinical testing. Allele origin: germline.
Comment: This variant, c.423_425del, results in the deletion of 1 amino acid(s) of the ACADM protein (p.Lys144del), but otherwise preserves the integrity of the reading frame. This variant is present in population databases (no rsID available, gnomAD 0.03%). This variant has been observed in individual(s) with clinical features of medium chain acyl-CoA dehydrogenase (MCAD) deficiency (PMID: 20434380, 21083904, 23028790; internal data). In at least one individual the data is consistent with being in trans (on the opposite chromosome) from a pathogenic variant. ClinVar contains an entry for this variant (Variation ID: 281055). For these reasons, this variant has been classified as Pathogenic.

GeneDx
Classification: Uncertain significance. Last evaluated: 2024-04-02. Review status: criteria provided, single submitter. Criteria: GeneDx Variant Classification Process June 2021. Collection method: clinical testing. Allele origin: germline. Affected: yes.
Comment: Has not been previously published as pathogenic or benign to our knowledge; In silico analysis supports a deleterious effect on protein structure/function; In-frame deletion of 1 amino acids in a non-repeat region; Also known as p.(K119del); This variant is associated with the following publications: (PMID: 20434380, 23028790, 21083904, 27308838)

Eurofins Ntd Llc (ga)
Classification: Uncertain significance. Last evaluated: 2015-10-02. Review status: criteria provided, single submitter. Criteria: EGL Classification Definitions 2015. Collection method: clinical testing. Allele origin: germline. Observed: 1 variant allele, 1 heterozygote.

Literature cited by the submitters: PubMed 20434380 (cited by Labcorp Genetics (formerly Invitae), Labcorp); PubMed 21083904 (cited by Labcorp Genetics (formerly Invitae), Labcorp); PubMed 23028790 (cited by Labcorp Genetics (formerly Invitae), Labcorp).